The following is an entry in ClinVar:

NM_004385.5(VCAN):c.5672T>G (p.Met1891Arg)

Genes: VCAN (versican; plus strand), VCAN-AS1 (VCAN antisense RNA 1; minus strand). Cytogenetic location: 5q14.3.
Variant type: single nucleotide variant.
Coding change: c.5672T>G on transcript NM_004385.5 (MANE Select); coding-DNA position 5672, T replaced by G.
Protein change: p.Met1891Arg; replaces methionine 1891 with arginine.
Molecular consequence: missense variant. On other transcripts: intron variant (2).
Genome position (GRCh38, 1-based): chr5:83,538,675, T>G. VCF-style: chr5-83538675-T-G. GRCh37 (hg19) VCF-style: chr5-82834494-T-G.
Other names: c.2711T>G, p.Met904Arg (NM_001164097.2); c.4004-6862T>G (NM_001164098.2); c.1043-6862T>G (NM_001126336.3); short protein forms M904R, M1891R.
Identifiers: ClinVar variation 1363905 (VCV001363905.8), dbSNP rs2112442990, ClinGen allele CA360310898.
Genomic context (GRCh38, chr5:83,538,675, plus strand): 5'-CTCCGCATGTGGAAACTACATTCTCCACTGAGCCAACAGGACTGGTTTTGAGTACAGTAA[T>G]GGACAGAGTAGTTGCTGAAAATATAACCCAAACATCCAGGGAAATAGTGATTTCAGAGCG-3'
Protein context (NP_004376.2, residues 1881-1901): EPTGLVLSTV[Met1891Arg]DRVVAENITQ

ClinVar aggregate classification (germline): Uncertain significance (1 of 4 stars; one submission).

Submission:

Labcorp Genetics (formerly Invitae), Labcorp
Classification: Uncertain significance. Last evaluated: 2022-07-26. Review status: criteria provided, single submitter. Criteria: Invitae Variant Classification Sherloc (09022015). Collection method: clinical testing. Allele origin: germline.
Comment: In summary, the available evidence is currently insufficient to determine the role of this variant in disease. Therefore, it has been classified as a Variant of Uncertain Significance. Algorithms developed to predict the effect of missense changes on protein structure and function are either unavailable or do not agree on the potential impact of this missense change (SIFT: "Deleterious"; PolyPhen-2: "Benign"; Align-GVGD: "Class C0"). ClinVar contains an entry for this variant (Variation ID: 1363905). This missense change has been observed in individual(s) with VCAN-related conditions (Invitae). This variant is not present in population databases (gnomAD no frequency). This sequence change replaces methionine, which is neutral and non-polar, with arginine, which is basic and polar, at codon 1891 of the VCAN protein (p.Met1891Arg).